The following is an entry in ClinVar:

ClinVar aggregate classification (germline): Uncertain significance (1 of 4 stars; one submission).

Conditions:
Cardiovascular phenotype. Identifiers: MedGen CN230736.

gnomAD v4.1: 2 of 1,549,714 alleles (0.00013%); highest among the groups gnomAD compares: African/African-American, 0.0014%; no homozygotes.

Submission:

Ambry Genetics
Classification: Uncertain significance for Cardiovascular phenotype. Last evaluated: 2025-03-03. Review status: criteria provided, single submitter. Criteria: Ambry Variant Classification Scheme 2023. Collection method: clinical testing. Allele origin: germline.
Comment: The p.Q569R variant (also known as c.1706A>G), located in coding exon 1 of the ZNF469 gene, results from an A to G substitution at nucleotide position 1706. The glutamine at codon 569 is replaced by arginine, an amino acid with highly similar properties. This amino acid position is conserved. In addition, this alteration is predicted to be tolerated by in silico analysis. Based on the available evidence, the clinical significance of this variant remains unclear.

NM_001367624.2(ZNF469):c.1706A>G (p.Gln569Arg)

Gene: ZNF469 (zinc finger protein 469; plus strand). Cytogenetic location: 16q24.2.
Variant type: single nucleotide variant.
Coding change: c.1706A>G on transcript NM_001367624.2 (MANE Select); coding-DNA position 1706, A replaced by G.
Protein change: p.Gln569Arg; replaces glutamine 569 with arginine.
Molecular consequence: missense variant.
Genome position (GRCh38, 1-based): chr16:88,429,176, A>G. VCF-style: chr16-88429176-A-G. GRCh37 (hg19) VCF-style: chr16-88495584-A-G.
Other names: NM_001127464.1:c.1706A>G; short protein forms Q569R.
Identifiers: ClinVar variation 3821169 (VCV003821169.1).
Genomic context (GRCh38, chr16:88,429,176, plus strand): 5'-CCTACAACGGAATGACAGACCCTGGGGCTCAGCCCCTGTTCTTCGGGGTGGCCCAGCCCC[A>G]GGTTTCACCCCACGGGACACCCAGCCTGCCCCCACCGAGGGTAGTGGGAGCCTCCCCCAG-3'
Protein context (NP_001354553.1, residues 559-579): QPLFFGVAQP[Gln569Arg]VSPHGTPSLP